The following is an entry in ClinVar:

ClinVar aggregate classification (germline): Pathogenic (1 of 4 stars; one submission).

Submission:

Labcorp Genetics (formerly Invitae), Labcorp
Classification: Pathogenic. Last evaluated: 2021-11-30. Review status: criteria provided, single submitter. Criteria: Invitae Variant Classification Sherloc (09022015). Collection method: clinical testing. Allele origin: germline.
Comment: This sequence change creates a premature translational stop signal (p.Arg333Glufs*10) in the RARS2 gene. It is expected to result in an absent or disrupted protein product. Loss-of-function variants in RARS2 are known to be pathogenic (PMID: 17847012, 22569581, 26083569). This variant is not present in population databases (gnomAD no frequency). This variant has not been reported in the literature in individuals affected with RARS2-related conditions. For these reasons, this variant has been classified as Pathogenic.

Literature cited by the submitters: PubMed 17847012; PubMed 22569581; PubMed 26083569.

NM_020320.5(RARS2):c.996del (p.Arg333fs)

Gene: RARS2 (arginyl-tRNA synthetase 2, mitochondrial; minus strand). Cytogenetic location: 6q15.
Variant type: Deletion.
Coding change: c.996del on transcript NM_020320.5 (MANE Select); coding-DNA position 996, one base deleted (T; older notation c.996delT).
Protein change: p.Arg333fs; shifts the reading frame from arginine 333.
Molecular consequence: frameshift variant. On other transcripts: non-coding transcript variant (23).
Genome position (GRCh38, 1-based): chr6:87,521,503, A deleted on the plus strand (T on the coding strand, the reverse complement: RARS2 is on the minus strand). VCF-style (leftmost placement, unchanged base first): chr6-87521502-GA-G. GRCh37 (hg19) VCF-style: chr6-88231220-GA-G.
Other names: c.471del, p.Arg158fs (NM_001318785.2, NM_001350506.2, NM_001350507.2 and 4 more transcripts); c.996del, p.Arg333fs (NM_001350505.2); short protein forms R158fs, R333fs.
Identifiers: ClinVar variation 1375780 (VCV001375780.6), dbSNP rs2128017262, ClinGen allele CA2573141330.